The following is an entry in ClinVar:

NM_004260.4(RECQL4):c.2885+1G>T

Gene: RECQL4 (RecQ like helicase 4; minus strand). Cytogenetic location: 8q24.3.
Variant type: single nucleotide variant.
Coding change: c.2885+1G>T on transcript NM_004260.4 (MANE Select); the canonical splice donor site of the intron after coding-DNA position 2885, G replaced by T.
Molecular consequence: splice donor variant.
Genome position (GRCh38, 1-based): chr8:144,512,641, C>A on the plus strand (G>T on the coding strand, the complement: RECQL4 is on the minus strand). VCF-style: chr8-144512641-C-A. GRCh37 (hg19) VCF-style: chr8-145738024-C-A.
Other names: c.2756+1G>T (NM_001413025.1); c.2534+1G>T (NM_001413029.1); c.1748+1G>T (NM_001413032.1, NM_001413027.1, NM_001413030.1); c.1814+1G>T (NM_001413035.1, NM_001413040.1, NM_001413021.1 and 4 more transcripts); c.2591+1G>T (NM_001413017.1); c.2789+1G>T (NM_001413020.1); c.2855+1G>T (NM_001413039.1); c.2753+1G>T (NM_001413033.1); and 9 more.
Identifiers: ClinVar variation 639282 (VCV000639282.6), dbSNP rs1176959485, ClinGen allele CA372673765.

ClinVar aggregate classification (germline): Likely pathogenic (1 of 4 stars; one submission).

Conditions:
Baller-Gerold syndrome (BGS). Also called: CRANIOSYNOSTOSIS WITH RADIAL DEFECTS. Identifiers: Orphanet 1225, MedGen C0265308, MONDO:0009039, OMIM 218600.

Submission:

Labcorp Genetics (formerly Invitae), Labcorp
Classification: Likely pathogenic for Baller-Gerold syndrome. Last evaluated: 2024-03-07. Review status: criteria provided, single submitter. Criteria: Invitae Variant Classification Sherloc (09022015). Collection method: clinical testing. Allele origin: germline.
Comment: This sequence change affects a donor splice site in intron 16 of the RECQL4 gene. It is expected to disrupt RNA splicing. Variants that disrupt the donor or acceptor splice site typically lead to a loss of protein function (PMID: 16199547), and loss-of-function variants in RECQL4 are known to be pathogenic (PMID: 12734318, 12952869). This variant is not present in population databases (gnomAD no frequency). Disruption of this splice site has been observed in individual(s) with breast and/or ovarian cancer (PMID: 30262796). ClinVar contains an entry for this variant (Variation ID: 639282). Algorithms developed to predict the effect of sequence changes on RNA splicing suggest that this variant may disrupt the consensus splice site. In summary, the currently available evidence indicates that the variant is pathogenic, but additional data are needed to prove that conclusively. Therefore, this variant has been classified as Likely Pathogenic.

Literature cited by the submitters: PubMed 16199547; PubMed 12734318; PubMed 12952869; PubMed 30262796.